The following is an entry in ClinVar:

NM_000064.4(C3):c.2951-5_2951-3del

Gene: C3 (complement C3; minus strand). Cytogenetic location: 19p13.3.
Variant type: Microsatellite.
Coding change: c.2951-5_2951-3del on transcript NM_000064.4 (MANE Select); 5 bases into the intron before coding-DNA position 2951 through 3 bases into the intron before coding-DNA position 2951, 3 bases deleted (TGC; older notation c.2951-5_2951-3delTGC).
Molecular consequence: intron variant.
Genome position (GRCh38, 1-based): chr19:6,694,637-6,694,639, GCA deleted on the plus strand (TGC on the coding strand, the reverse complement: C3 is on the minus strand); deleting any 3 consecutive bases within chr19:6,694,637-6,694,643 gives the same sequence; the c. name uses the placement nearest the transcript's 3' end. VCF-style (leftmost placement, unchanged base first): chr19-6694636-TGCA-T. GRCh37 (hg19) VCF-style: chr19-6694647-TGCA-T.
Other names: p.?; c.2951-5_2951-3del (NM_000064.3).
Identifiers: ClinVar variation 625901 (VCV000625901.17), dbSNP rs544122376, ClinGen allele CA9128882.

ClinVar aggregate classification (germline): Conflicting classifications of pathogenicity. Review status: criteria provided, conflicting classifications (1 of 4 stars). 6 submissions from 6 submitters: Uncertain significance (1); Benign (3); Likely benign (2). Last evaluated 2026-05-01.

Conditions:
Complement component 3 deficiency. Identifiers: Orphanet 280133, MedGen C3151071, MONDO:0013417, OMIM 613779.
Atypical hemolytic-uremic syndrome. Identifiers: Orphanet 2134, MedGen C2931788, MONDO:0016244.
C3 glomerulonephritis. Also called: C3 GLOMERULOPATHY 3; Nephropathy due to CFHR5 Deficiency. Identifiers: Orphanet 329931, MedGen C4055342, MONDO:0013892, OMIM 614809.
Atypical hemolytic-uremic syndrome with C3 anomaly. Also called: AHUS, SUSCEPTIBILITY TO, 5. Identifiers: Orphanet 2134, MedGen C2752037, MONDO:0013043, OMIM 612925.
Age related macular degeneration 9. Identifiers: MedGen C1969651, MONDO:0012659, OMIM 611378.

Submissions (6):

CeGaT Center for Human Genetics Tuebingen
Classification: Likely benign. Last evaluated: 2026-05-01. Review status: criteria provided, single submitter. Criteria: CeGaT Center For Human Genetics Tuebingen Variant Classification Criteria Version 2. Collection method: clinical testing. Allele origin: germline. Affected: yes. Observed: 1 variant allele.
Comment: C3: BP4, BS1

Labcorp Genetics (formerly Invitae), Labcorp
Classification: Benign. Last evaluated: 2026-01-17. Review status: criteria provided, single submitter. Criteria: Invitae Variant Classification Sherloc (09022015). Collection method: clinical testing. Allele origin: germline.

Genomenon, Inc
Classification: Benign for Complement component 3 deficiency; C3 glomerulonephritis; Atypical hemolytic-uremic syndrome. Last evaluated: 2025-09-30. Review status: criteria provided, single submitter. Criteria: Genomenon Sequence Variant Interpretation Standards. Collection method: curation. Allele origin: germline. Affected: no.
Comment: C3 c.2951-5_2951-3del is an intronic variant located in intron 23. This variant has been reported in the published literature (PMID:37626618). This variant is present at high allele frequency in population databases. In conclusion, we classify C3 c.2951-5_2951-3del as a benign variant.

Blueprint Genetics
Classification: Likely benign. Last evaluated: 2024-09-13. Review status: criteria provided, single submitter. Criteria: ACMG Guidelines, 2015. Collection method: clinical testing. Allele origin: germline.

Mayo Clinic Laboratories, Mayo Clinic
Classification: Benign. Last evaluated: 2024-05-06. Review status: criteria provided, single submitter. Criteria: ACMG Guidelines, 2015. Collection method: clinical testing. Allele origin: germline. Observed: 9 variant alleles.
Comment: BS1, BP4, BP7

Center for Genomics, Ann and Robert H. Lurie Children's Hospital of Chicago
Classification: Uncertain significance for Complement component 3 deficiency; Atypical hemolytic-uremic syndrome with C3 anomaly; Age related macular degeneration 9. Review status: criteria provided, single submitter. Criteria: ACMG Guidelines, 2015. Collection method: clinical testing. Allele origin: germline.
Comment: C3 NM_000064.3 exon 24 c.2951-5_2951-3del: This variant is present in 0.7% (186/24898) of African alleles, including 1 homozygote, in the Genome Aggregation Database. Evolutionary conservation and computational predictive tools for this variant are limited or unavailable. This variant is a deletion of 3 nucelotides in the intronic region; splice prediction tools suggest no effect on splicing. However, further studies are needed to understand its impact. In summary, data on this variant is insufficient for disease classification. Therefore, the clinical significance of this variant is uncertain

Literature cited by the submitters: PubMed 37626618 (cited by Genomenon, Inc).